The following is an entry in ClinVar:

ClinVar aggregate classification (germline): Uncertain significance (1 of 4 stars; one submission).

Conditions:
Baller-Gerold syndrome (BGS). Also called: CRANIOSYNOSTOSIS WITH RADIAL DEFECTS. Identifiers: Orphanet 1225, MedGen C0265308, MONDO:0009039, OMIM 218600.

gnomAD v4.1: 2 of 1,610,108 alleles (0.00012%); highest among the groups gnomAD compares: African/African-American, 0.0013%; no homozygotes.

Submission:

Labcorp Genetics (formerly Invitae), Labcorp
Classification: Uncertain significance for Baller-Gerold syndrome. Last evaluated: 2022-07-19. Review status: criteria provided, single submitter. Criteria: Invitae Variant Classification Sherloc (09022015). Collection method: clinical testing. Allele origin: germline.
Comment: In summary, the available evidence is currently insufficient to determine the role of this variant in disease. Therefore, it has been classified as a Variant of Uncertain Significance. Experimental studies and prediction algorithms are not available or were not evaluated, and the functional significance of this variant is currently unknown. ClinVar contains an entry for this variant (Variation ID: 958435). This variant has not been reported in the literature in individuals affected with RECQL4-related conditions. This variant is not present in population databases (gnomAD no frequency). This sequence change replaces serine, which is neutral and polar, with threonine, which is neutral and polar, at codon 180 of the RECQL4 protein (p.Ser180Thr).

NM_004260.4(RECQL4):c.539G>C (p.Ser180Thr)

Gene: RECQL4 (RecQ like helicase 4; minus strand). Cytogenetic location: 8q24.3.
Variant type: single nucleotide variant.
Coding change: c.539G>C on transcript NM_004260.4 (MANE Select); coding-DNA position 539, G replaced by C.
Protein change: p.Ser180Thr; replaces serine 180 with threonine.
Molecular consequence: missense variant.
Genome position (GRCh38, 1-based): chr8:144,516,580, C>G on the plus strand (G>C on the coding strand, the complement: RECQL4 is on the minus strand). VCF-style: chr8-144516580-C-G. GRCh37 (hg19) VCF-style: chr8-145741964-C-G.
Other names: short protein forms S180T.
Identifiers: ClinVar variation 958435 (VCV000958435.6), dbSNP rs1060501378, ClinGen allele CA372691101.